The following is an entry in ClinVar:

NM_002335.4(LRP5):c.685C>A (p.Arg229=)

Gene: LRP5 (LDL receptor related protein 5; plus strand). Cytogenetic location: 11q13.2.
Variant type: single nucleotide variant.
Coding change: c.685C>A on transcript NM_002335.4 (MANE Select); coding-DNA position 685, C replaced by A.
Protein change: p.Arg229=; no amino-acid change (arginine 229 retained).
Molecular consequence: synonymous variant. On other transcripts: 5 prime UTR variant (1).
Genome position (GRCh38, 1-based): chr11:68,357,846, C>A. VCF-style: chr11-68357846-C-A. GRCh37 (hg19) VCF-style: chr11-68125314-C-A.
Other names: c.-1081C>A (NM_001291902.2).
Identifiers: ClinVar variation 4719879 (VCV004719879.1).

ClinVar aggregate classification (germline): Uncertain significance (1 of 4 stars; one submission).

gnomAD v4.1: 4 of 1,610,530 alleles (0.00025%); highest among the groups gnomAD compares: East Asian, 0.009%; no homozygotes.

Submission:

Labcorp Genetics (formerly Invitae), Labcorp
Classification: Uncertain significance. Last evaluated: 2025-08-20. Review status: criteria provided, single submitter. Criteria: Invitae Variant Classification Sherloc (09022015). Collection method: clinical testing. Allele origin: germline.
Comment: This sequence change affects codon 229 of the LRP5 mRNA. It is a 'silent' change, meaning that it does not change the encoded amino acid sequence of the LRP5 protein. It affects a nucleotide within the consensus splice site. This variant is not present in population databases (gnomAD no frequency). This variant has not been reported in the literature in individuals affected with LRP5-related conditions. Algorithms developed to predict the effect of sequence changes on RNA splicing suggest that this variant is not likely to affect RNA splicing. In summary, the available evidence is currently insufficient to determine the role of this variant in disease. Therefore, it has been classified as a Variant of Uncertain Significance.